The following is an entry in ClinVar:

NM_004432.5(ELAVL2):c.457A>C (p.Thr153Pro)

Gene: ELAVL2 (ELAV like RNA binding protein 2; minus strand). Cytogenetic location: 9p21.3.
Variant type: single nucleotide variant.
Coding change: c.457A>C on transcript NM_004432.5 (MANE Select); coding-DNA position 457, A replaced by C.
Protein change: p.Thr153Pro; replaces threonine 153 with proline.
Molecular consequence: missense variant.
Genome position (GRCh38, 1-based): chr9:23,704,948, T>G on the plus strand (A>C on the coding strand, the complement: ELAVL2 is on the minus strand). VCF-style: chr9-23704948-T-G. GRCh37 (hg19) VCF-style: chr9-23704946-T-G.
Other names: c.457A>C, p.Thr153Pro (NM_001171195.2, NM_001171197.2, NM_001351467.2 and 15 more transcripts); c.544A>C, p.Thr182Pro (NM_001351455.2, NM_001351456.2, NM_001351457.2 and 11 more transcripts); c.541A>C, p.Thr181Pro (NM_001351460.2, NM_001351461.2, NM_001351462.2 and 2 more transcripts); c.499A>C, p.Thr167Pro (NM_001351466.2, NM_001385694.1, NM_001385696.1); short protein forms T153P, T167P, T181P, T182P.
Identifiers: ClinVar variation 4891450 (VCV004891450.1).

ClinVar aggregate classification (germline): Uncertain significance (1 of 4 stars; one submission).

Submission:

GeneDx
Classification: Uncertain significance. Last evaluated: 2024-01-12. Review status: criteria provided, single submitter. Criteria: GeneDx Variant Classification Process June 2021. Collection method: clinical testing. Allele origin: germline.
Comment: Not observed at significant frequency in large population cohorts (gnomAD); In silico analysis supports that this missense variant has a deleterious effect on protein structure/function; Has not been previously published as pathogenic or benign to our knowledge; Variants in candidate genes are classified as variants of uncertain significance in accordance with ACMG guidelines (PMID: 25741868)